The following is an entry in ClinVar:

NM_001267550.2(TTN):c.33995-5T>G

Gene: TTN (titin; minus strand). Cytogenetic location: 2q31.2.
Variant type: single nucleotide variant.
Coding change: c.33995-5T>G on transcript NM_001267550.2 (MANE Select); 5 bases into the intron before coding-DNA position 33995, T replaced by G.
Molecular consequence: intron variant.
Genome position (GRCh38, 1-based): chr2:178,677,922, A>C on the plus strand (T>G on the coding strand, the complement: TTN is on the minus strand). VCF-style: chr2-178677922-A-C. GRCh37 (hg19) VCF-style: chr2-179542649-A-C.
Other names: c.13283-35605T>G (NM_003319.4); c.13859-35605T>G (NM_133437.4); c.13658-35605T>G (NM_133432.3); c.30263-5T>G (NM_133378.4); c.33044-5T>G (NM_001256850.1).
Identifiers: ClinVar variation 1711517 (VCV001711517.30), dbSNP rs774359312, ClinGen allele CA1998160.
Genomic context (GRCh38, chr2:178,677,922, plus strand): 5'-TTCCTCTTCCTGAGGTAGAGCTACAGGAACTGGAACTGGTTCACGTTTCTTTGGCACTTT[A>C]AAGATATTTATTCAAGGGTACAAACATCACTTTTATGTAAAATATTCACAACAATGAAGA-3'

ClinVar aggregate classification (germline): Likely benign (1 of 4 stars; one submission).

Allele frequency attached by ClinVar (database versions not stated): gnomAD 0.00001.
gnomAD v4.1: 4 of 1,586,372 alleles (0.00025%); highest among the groups gnomAD compares: Non-Finnish European, 0.00034%; no homozygotes.

Submission:

CeGaT Center for Human Genetics Tuebingen
Classification: Likely benign. Last evaluated: 2022-09-01. Review status: criteria provided, single submitter. Criteria: CeGaT Center For Human Genetics Tuebingen Variant Classification Criteria Version 2. Collection method: clinical testing. Allele origin: germline. Affected: yes. Observed: 1 variant allele.
Comment: TTN: BP4